The following is an entry in ClinVar:

NM_000038.6(APC):c.226A>G (p.Asn76Asp)

Gene: APC (APC regulator of Wnt signaling pathway; plus strand). Cytogenetic location: 5q22.2.
Variant type: single nucleotide variant.
Coding change: c.226A>G on transcript NM_000038.6 (MANE Select); coding-DNA position 226, A replaced by G.
Protein change: p.Asn76Asp; replaces asparagine 76 with aspartic acid.
Molecular consequence: missense variant. On other transcripts: 5 prime UTR variant (4), non-coding transcript variant (2).
Genome position (GRCh38, 1-based): chr5:112,767,194, A>G. VCF-style: chr5-112767194-A-G. GRCh37 (hg19) VCF-style: chr5-112102891-A-G.
Other names: c.226A>G, p.Asn76Asp (NM_001127510.3, NM_001354895.2, NM_001354896.2 and 16 more transcripts); c.256A>G, p.Asn86Asp (NM_001127511.3, NM_001354897.2, NM_001354902.2 and 1 more transcripts); c.151A>G, p.Asn51Asp (NM_001354898.2, NM_001354904.2, NM_001407451.1); c.49A>G, p.Asn17Asp (NM_001354900.2, NM_001354901.2, NM_001354905.2 and 1 more transcripts); c.-810A>G (NM_001354906.2, NM_001407470.1, NM_001407471.1 and 1 more transcripts); short protein forms N86D, N17D, N76D, N51D.
Identifiers: ClinVar variation 2561169 (VCV002561169.4), dbSNP rs1756428709, ClinGen allele CA16021834.

ClinVar aggregate classification (germline): Uncertain significance. Review status: criteria provided, multiple submitters, no conflicts (2 of 4 stars). 2 submissions from 2 submitters: Uncertain significance (2). Last evaluated 2024-05-22.

Conditions:
Hereditary cancer-predisposing syndrome. Also called: Neoplastic Syndromes, Hereditary; Hereditary Cancer Syndrome; Hereditary neoplastic syndrome; Tumor predisposition. Identifiers: Orphanet 140162, MedGen C0027672, MeSH D009386, MONDO:0015356.
Familial adenomatous polyposis 1 (FAP1). Also called: POLYPOSIS, ADENOMATOUS INTESTINAL; FAMILIAL ADENOMATOUS POLYPOSIS 1, ATTENUATED. Identifiers: MedGen C2713442, MONDO:0021056, OMIM 175100. Disease mechanism: loss of function.

Submissions (2):

Labcorp Genetics (formerly Invitae), Labcorp
Classification: Uncertain significance for Familial adenomatous polyposis 1. Last evaluated: 2024-05-22. Review status: criteria provided, single submitter. Criteria: Invitae Variant Classification Sherloc (09022015). Collection method: clinical testing. Allele origin: germline.
Comment: This sequence change replaces asparagine, which is neutral and polar, with aspartic acid, which is acidic and polar, at codon 76 of the APC protein (p.Asn76Asp). This variant is not present in population databases (gnomAD no frequency). This variant has not been reported in the literature in individuals affected with APC-related conditions. ClinVar contains an entry for this variant (Variation ID: 2561169). Advanced modeling of protein sequence and biophysical properties (such as structural, functional, and spatial information, amino acid conservation, physicochemical variation, residue mobility, and thermodynamic stability) performed at Invitae indicates that this missense variant is not expected to disrupt APC protein function with a negative predictive value of 95%. In summary, the available evidence is currently insufficient to determine the role of this variant in disease. Therefore, it has been classified as a Variant of Uncertain Significance.

Ambry Genetics
Classification: Uncertain significance for Hereditary cancer-predisposing syndrome. Last evaluated: 2023-05-09. Review status: criteria provided, single submitter. Criteria: Ambry Variant Classification Scheme 2023. Collection method: clinical testing. Allele origin: germline.
Comment: The p.N76D variant (also known as c.226A>G), located in coding exon 3 of the APC gene, results from an A to G substitution at nucleotide position 226. The asparagine at codon 76 is replaced by aspartic acid, an amino acid with highly similar properties. This amino acid position is well conserved in available vertebrate species. In addition, in silico predictors for this gene do not accurately predict pathogenicity. Since supporting evidence is limited at this time, the clinical significance of this alteration remains unclear.